The following is an entry in ClinVar:

NM_000228.3(LAMB3):c.*262G>A

Gene: LAMB3 (laminin subunit beta 3; minus strand). Cytogenetic location: 1q32.2.
Variant type: single nucleotide variant.
Coding change: c.*262G>A on transcript NM_000228.3 (MANE Select); 262 bases downstream of the stop codon, G replaced by A.
Molecular consequence: 3 prime UTR variant.
Genome position (GRCh38, 1-based): chr1:209,615,009, C>T on the plus strand (G>A on the coding strand, the complement: LAMB3 is on the minus strand). VCF-style: chr1-209615009-C-T. GRCh37 (hg19) VCF-style: chr1-209788354-C-T.
Other names: c.*262G>A (NM_001017402.2, NM_001127641.1).
Identifiers: ClinVar variation 874110 (VCV000874110.4), dbSNP rs371579247, ClinGen allele CA36742792.

ClinVar aggregate classification (germline): Likely benign (1 of 4 stars; one submission).

Conditions:
Junctional epidermolysis bullosa. Identifiers: Orphanet 305, MedGen C0079301, MONDO:0017612.

Allele frequency attached by ClinVar (database versions not stated): gnomAD below 0.00001 and 0.00019; TOPMed 0.00005; gnomAD exomes 0.00060; 1000 Genomes Project 30x 0.00156; 1000 Genomes Project 0.00160.

Submission:

Illumina Laboratory Services, Illumina
Classification: Likely benign for Junctional epidermolysis bullosa. Last evaluated: 2018-01-12. Review status: criteria provided, single submitter. Criteria: ICSL Variant Classification Criteria 13 December 2019. Collection method: clinical testing. Allele origin: germline.
Comment: This variant was observed in the ICSL laboratory as part of a predisposition screen in an ostensibly healthy population. It had not been previously curated by ICSL or reported in the Human Gene Mutation Database (HGMD: prior to June 1st, 2018), and was therefore a candidate for classification through an automated scoring system. Utilizing variant allele frequency, disease prevalence and penetrance estimates, and inheritance mode, an automated score was calculated to assess if this variant is too frequent to cause the disease. Based on the score and internal cut-off values, a variant classified as likely benign is not then subjected to further curation. The score for this variant resulted in a classification of likely benign for this disease.